The following is an entry in ClinVar:

ClinVar aggregate classification (germline): Conflicting classifications of pathogenicity. Review status: criteria provided, conflicting classifications (1 of 4 stars). 3 submissions from 3 submitters: Uncertain significance (2); Likely benign (1). Last evaluated 2026-04-01.

Conditions:
Emery-Dreifuss muscular dystrophy 4, autosomal dominant (EDMD4). Also called: EMERY-DREIFUSS MUSCULAR DYSTROPHY 4 WITH VARIABLE FEATURES. Identifiers: Orphanet 261, MedGen C2751807, MONDO:0013071, OMIM 612998.
Autosomal recessive ataxia, Beauce type. Also called: SYNE1-Related Autosomal Recessive Cerebellar Ataxia; ATAXIA, RECESSIVE, OF BEAUCE; SYNE1 Deficiency; Spinocerebellar ataxia, autosomal recessive 8. Identifiers: Orphanet 88644, MedGen C1853116, MONDO:0012549, OMIM 610743.

Allele frequency attached by ClinVar (database versions not stated): TOPMed 0.00004; gnomAD exomes 0.00009; ExAC 0.00011.
gnomAD v4.1: 25 of 1,614,166 alleles (0.0015%); highest among the groups gnomAD compares: Admixed American, 0.042%; no homozygotes.

Submissions (3):

CeGaT Center for Human Genetics Tuebingen
Classification: Likely benign. Last evaluated: 2026-04-01. Review status: criteria provided, single submitter. Criteria: CeGaT Center For Human Genetics Tuebingen Variant Classification Criteria Version 2. Collection method: clinical testing. Allele origin: germline. Affected: yes. Observed: 1 variant allele.
Comment: SYNE1: BP4

Labcorp Genetics (formerly Invitae), Labcorp
Classification: Uncertain significance for Emery-Dreifuss muscular dystrophy 4, autosomal dominant; Autosomal recessive ataxia, Beauce type. Last evaluated: 2022-07-14. Review status: criteria provided, single submitter. Criteria: Invitae Variant Classification Sherloc (09022015). Collection method: clinical testing. Allele origin: germline.
Comment: This sequence change replaces valine, which is neutral and non-polar, with isoleucine, which is neutral and non-polar, at codon 5958 of the SYNE1 protein (p.Val5958Ile). This variant is present in population databases (rs757079165, gnomAD 0.06%). This variant has not been reported in the literature in individuals affected with SYNE1-related conditions. ClinVar contains an entry for this variant (Variation ID: 1349632). Algorithms developed to predict the effect of missense changes on protein structure and function (SIFT, PolyPhen-2, Align-GVGD) all suggest that this variant is likely to be tolerated. In summary, the available evidence is currently insufficient to determine the role of this variant in disease. Therefore, it has been classified as a Variant of Uncertain Significance.

Revvity Omics, Revvity
Classification: Uncertain significance. Last evaluated: 2021-08-23. Review status: criteria provided, single submitter. Criteria: ACMG Guidelines, 2015. Collection method: clinical testing. Allele origin: germline.

NM_182961.4(SYNE1):c.18085G>A (p.Val6029Ile)

Gene: SYNE1 (spectrin repeat containing nuclear envelope protein 1; minus strand). Cytogenetic location: 6q25.2.
Variant type: single nucleotide variant.
Coding change: c.18085G>A on transcript NM_182961.4 (MANE Select); coding-DNA position 18085, G replaced by A.
Protein change: p.Val6029Ile; replaces valine 6029 with isoleucine.
Molecular consequence: missense variant.
Genome position (GRCh38, 1-based): chr6:152,284,100, C>T on the plus strand (G>A on the coding strand, the complement: SYNE1 is on the minus strand). VCF-style: chr6-152284100-C-T. GRCh37 (hg19) VCF-style: chr6-152605235-C-T.
Other names: c.17872G>A (NM_033071.3); c.17872G>A, p.Val5958Ile (NM_033071.5); short protein forms V5958I, V6029I.
Identifiers: ClinVar variation 1349632 (VCV001349632.7), dbSNP rs757079165, ClinGen allele CA4055056.
Genomic context (GRCh38, chr6:152,284,100, plus strand): 5'-CAGTGAGCGTGGACTGCAAGGCCAGCTGCTCCGCAGGGTCGGCCTCACAAGACTCGGATA[C>T]CAGCTCCTCTGCGAGAGAGGACTGGAGCTCATTGATTTCATCCTGGAGCATGAGAATCTC-3'
Protein context (NP_892006.3, residues 6019-6039): ELQSSLAEEL[Val6029Ile]SESCEADPAE